The following is an entry in ClinVar:

ClinVar aggregate classification (germline): Likely benign. Review status: criteria provided, multiple submitters, no conflicts (2 of 4 stars). 6 submissions from 6 submitters: Likely benign (6). Last evaluated 2026-05-06.

Conditions:
Cardiovascular phenotype. Identifiers: MedGen CN230736.
Hypertrophic cardiomyopathy. Also called: HYPERTROPHIC MYOCARDIOPATHY. Identifiers: Orphanet 217569, MedGen C0007194, MeSH D002312, MONDO:0005045, HP:0001639.
MYH7-related disorder. Also called: MYH7-related condition; MYH7-related disease; MYH7-related disorders.
Cardiomyopathy (CMYO). Also called: Cardiomyopathies. Identifiers: Orphanet 167848, MedGen C0878544, MONDO:0004994, HP:0001638. Inheritance: Various modes of inheritance.

Allele frequency attached by ClinVar (database versions not stated): gnomAD 0.00003 and 0.00004; TOPMed 0.00005; gnomAD exomes 0.00001 and 0.00002; ExAC 0.00003.

Submissions (6):

PreventionGenetics, part of Exact Sciences
Classification: Likely benign for MYH7-related condition. Last evaluated: 2026-05-06. Review status: criteria provided, single submitter. Criteria: ACMG Guidelines, 2015. Collection method: clinical testing. Allele origin: germline.
Comment: This variant is classified as likely benign based on ACMG/AMP sequence variant interpretation guidelines (Richards et al. 2015 PMID: 25741868, with internal and published modifications).

Labcorp Genetics (formerly Invitae), Labcorp
Classification: Likely benign for Hypertrophic cardiomyopathy. Last evaluated: 2026-01-27. Review status: criteria provided, single submitter. Criteria: Invitae Variant Classification Sherloc (09022015). Collection method: clinical testing. Allele origin: germline.

All of Us Research Program, National Institutes of Health
Classification: Likely benign for Cardiomyopathy. Last evaluated: 2024-04-16. Review status: criteria provided, single submitter. Criteria: ACMG Guidelines, 2015. Collection method: clinical testing. Allele origin: germline. Inheritance: Autosomal dominant inheritance. Observed: 4 variant alleles, 4 heterozygotes.
Comment: This study involves interpretation of variants in research participants for the purpose of population health screening. Participant phenotype was not available at the time of variant classification. Additional details can be found in publication PMID: 35346344, PMCID: PMC8962531

Ambry Genetics
Classification: Likely benign for Cardiovascular phenotype. Last evaluated: 2019-09-12. Review status: criteria provided, single submitter. Criteria: Ambry Variant Classification Scheme 2023. Collection method: clinical testing. Allele origin: germline.

Color Diagnostics, LLC DBA Color Health
Classification: Likely benign for Cardiomyopathy. Last evaluated: 2018-04-16. Review status: criteria provided, single submitter. Criteria: ACMG Guidelines, 2015. Collection method: clinical testing. Allele origin: germline.

GeneDx
Classification: Likely benign. Last evaluated: 2017-07-11. Review status: criteria provided, single submitter. Criteria: GeneDx Variant Classification (06012015). Collection method: clinical testing. Allele origin: germline. Affected: yes.
Comment: This variant is considered likely benign or benign based on one or more of the following criteria: it is a conservative change, it occurs at a poorly conserved position in the protein, it is predicted to be benign by multiple in silico algorithms, and/or has population frequency not consistent with disease.

NM_000257.4(MYH7):c.372C>T (p.Thr124=)

Gene: MYH7 (myosin heavy chain 7; minus strand). Cytogenetic location: 14q11.2.
Variant type: single nucleotide variant.
Coding change: c.372C>T on transcript NM_000257.4 (MANE Select); coding-DNA position 372, C replaced by T.
Protein change: p.Thr124=; no amino-acid change (threonine 124 retained).
Molecular consequence: synonymous variant.
Genome position (GRCh38, 1-based): chr14:23,432,769, G>A on the plus strand (C>T on the coding strand, the complement: MYH7 is on the minus strand). VCF-style: chr14-23432769-G-A. GRCh37 (hg19) VCF-style: chr14-23901978-G-A.
Other names: c.372C>T (LRG_384t1).
Identifiers: ClinVar variation 506326 (VCV000506326.18), dbSNP rs755855267, ClinGen allele CA038674.